The following is an entry in ClinVar:

NM_003072.5(SMARCA4):c.1287G>A (p.Ala429=)

Gene: SMARCA4 (SWI/SNF related BAF chromatin remodeling complex subunit ATPase 4; plus strand). Cytogenetic location: 19p13.2.
Variant type: single nucleotide variant.
Coding change: c.1287G>A on transcript NM_003072.5 (MANE Select); coding-DNA position 1287, G replaced by A.
Protein change: p.Ala429=; no amino-acid change (alanine 429 retained).
Molecular consequence: synonymous variant. On other transcripts: non-coding transcript variant (1).
Genome position (GRCh38, 1-based): chr19:10,991,191, G>A. VCF-style: chr19-10991191-G-A. GRCh37 (hg19) VCF-style: chr19-11101867-G-A.
Other names: c.1287G>A, p.Ala429= (NM_001128844.3, NM_001128845.2, NM_001128846.2 and 5 more transcripts).
Identifiers: ClinVar variation 212235 (VCV000212235.70), dbSNP rs143600641, ClinGen allele CA209385.

ClinVar aggregate classification (germline): Conflicting classifications of pathogenicity. Review status: criteria provided, conflicting classifications (1 of 4 stars). 12 submissions from 12 submitters: Uncertain significance (1); Benign (3); Likely benign (8). Last evaluated 2026-08-01.

Conditions:
Intellectual disability, autosomal dominant 16 (CSS4). Also called: COFFIN-SIRIS SYNDROME 4. Identifiers: Orphanet 1465, MedGen C3553249, MONDO:0013821, OMIM 614609.
Rhabdoid tumor predisposition syndrome 2 (RTPS2). Identifiers: Orphanet 231108, Orphanet 69077, MedGen C2750074, MONDO:0013224, OMIM 613325.
SMARCA4-related disorder. Also called: SMARCA4-related condition.
Hereditary cancer-predisposing syndrome. Also called: Neoplastic Syndromes, Hereditary; Tumor predisposition; Hereditary Cancer Syndrome; Hereditary neoplastic syndrome. Identifiers: Orphanet 140162, MedGen C0027672, MeSH D009386, MONDO:0015356.

Allele frequency attached by ClinVar (database versions not stated): gnomAD exomes 0.00008 and 0.00004; ExAC 0.00006; gnomAD 0.00006 and 0.00007; TOPMed 0.00008; 1000 Genomes Project 30x 0.00016; ESP Exome Variant Server 0.00008; 1000 Genomes Project 0.00020.
gnomAD v4.1: 73 of 1,613,896 alleles (0.0045%); highest among the groups gnomAD compares: Admixed American, 0.025%; no homozygotes.

Submissions (12):

CeGaT Center for Human Genetics Tuebingen
Classification: Likely benign. Last evaluated: 2026-08-01. Review status: criteria provided, single submitter. Criteria: CeGaT Center For Human Genetics Tuebingen Variant Classification Criteria Version 2. Collection method: clinical testing. Allele origin: germline. Affected: yes. Observed: 3 variant alleles.
Comment: SMARCA4: BP4, BP7

Myriad Genetics, Inc.
Classification: Benign for Rhabdoid tumor predisposition syndrome 2. Last evaluated: 2026-07-10. Review status: criteria provided, single submitter. Criteria: Myriad Autosomal Dominant, Autosomal Recessive and X-Linked Classification Criteria (2023). Collection method: clinical testing. Allele origin: unknown.
Comment: This variant is considered benign. This variant is a silent/synonymous amino acid change and it is not expected to impact splicing.

PreventionGenetics, part of Exact Sciences
Classification: Likely benign for SMARCA4-related condition. Last evaluated: 2026-05-10. Review status: criteria provided, single submitter. Criteria: ACMG Guidelines, 2015. Collection method: clinical testing. Allele origin: germline.
Comment: This variant is classified as likely benign based on ACMG/AMP sequence variant interpretation guidelines (Richards et al. 2015 PMID: 25741868, with internal and published modifications).

Labcorp Genetics (formerly Invitae), Labcorp
Classification: Likely benign for Rhabdoid tumor predisposition syndrome 2. Last evaluated: 2026-02-02. Review status: criteria provided, single submitter. Criteria: Invitae Variant Classification Sherloc (09022015). Collection method: clinical testing. Allele origin: germline.

Blueprint Genetics
Classification: Likely benign. Last evaluated: 2024-08-09. Review status: criteria provided, single submitter. Criteria: ACMG Guidelines, 2015. Collection method: clinical testing. Allele origin: germline.

ARUP Laboratories, Molecular Genetics and Genomics, ARUP Laboratories
Classification: Likely benign. Last evaluated: 2022-03-09. Review status: criteria provided, single submitter. Criteria: ARUP Molecular Germline Variant Investigation Process 2021. Collection method: clinical testing. Allele origin: germline.

Quest Diagnostics Nichols Institute San Juan Capistrano
Classification: Benign. Last evaluated: 2021-08-11. Review status: criteria provided, single submitter. Criteria: Quest Diagnostics criteria. Collection method: clinical testing. Allele origin: unknown.

Genome-Nilou Lab
Classification: Likely benign for Intellectual disability, autosomal dominant 16. Last evaluated: 2021-07-15. Review status: criteria provided, single submitter. Criteria: ACMG Guidelines, 2015. Collection method: clinical testing. Allele origin: germline. Affected: no.

Sema4
Classification: Benign for Hereditary cancer-predisposing syndrome. Last evaluated: 2021-05-21. Review status: criteria provided, single submitter. Criteria: Sema4 Curation Guidelines. Collection method: curation. Allele origin: germline.

GeneDx
Classification: Likely benign. Last evaluated: 2020-11-03. Review status: criteria provided, single submitter. Criteria: GeneDx Variant Classification Process June 2021. Collection method: clinical testing. Allele origin: germline. Affected: yes.

Ambry Genetics
Classification: Likely benign for Hereditary cancer-predisposing syndrome. Last evaluated: 2015-09-25. Review status: criteria provided, single submitter. Criteria: Ambry Variant Classification Scheme 2023. Collection method: clinical testing. Allele origin: germline.

Genetic Services Laboratory, University of Chicago
Classification: Uncertain significance. Last evaluated: 2015-05-22. Review status: criteria provided, single submitter. Criteria: ACMG Guidelines, 2015. Collection method: clinical testing. Allele origin: germline.